The following is an entry in ClinVar:

ClinVar aggregate classification (germline): Likely benign. Review status: criteria provided, multiple submitters, no conflicts (2 of 4 stars). 2 submissions from 2 submitters: Likely benign (2). Last evaluated 2023-01-01.

Allele frequency attached by ClinVar (database versions not stated): gnomAD exomes 0.00037 and 0.00067; ExAC 0.00097; 1000 Genomes Project 30x 0.00187; ESP Exome Variant Server 0.00212; 1000 Genomes Project 0.00220; gnomAD 0.00265 and 0.00271; TOPMed 0.00271.
gnomAD v4.1: 980 of 1,596,538 alleles (0.061%); highest among the groups gnomAD compares: African/African-American, 0.83%; 8 homozygotes.

Submissions (6):

CeGaT Center for Human Genetics Tuebingen
Classification: Likely benign. Last evaluated: 2023-01-01. Review status: criteria provided, single submitter. Criteria: CeGaT Center For Human Genetics Tuebingen Variant Classification Criteria Version 2. Collection method: clinical testing. Allele origin: germline. Affected: yes. Observed: 1 variant allele.
Comment: SEL1L3: PP3, BS2

Labcorp Genetics (formerly Invitae), Labcorp
Classification: Likely benign. Last evaluated: 2018-05-21. Review status: criteria provided, single submitter. Criteria: Invitae Variant Classification Sherloc (09022015). Collection method: clinical testing. Allele origin: germline.

Dr. Peter K. Rogan Lab, Western University
No classification provided (evidence only). Condition: Lung cancer. Review status: no classification provided. Collection method: in vitro. Allele origin: not applicable. Functional consequence: skipped exon, retained intron. Not counted in ClinVar's aggregate classification.

Dr. Peter K. Rogan Lab, Western University
No classification provided (evidence only). Condition: Acute myeloid leukemia. Review status: no classification provided. Collection method: in vitro. Allele origin: not applicable. Functional consequence: retained intron. Not counted in ClinVar's aggregate classification.

Dr. Peter K. Rogan Lab, Western University
No classification provided (evidence only). Condition: Cervical cancer. Review status: no classification provided. Collection method: in vitro. Allele origin: not applicable. Functional consequence: skipped exon. Not counted in ClinVar's aggregate classification.

Dr. Peter K. Rogan Lab, Western University
No classification provided (evidence only). Condition: Gastric cancer. Review status: no classification provided. Collection method: in vitro. Allele origin: not applicable. Functional consequence: retained intron. Not counted in ClinVar's aggregate classification.

NM_015187.5(SEL1L3):c.1424-3T>A

Gene: SEL1L3 (SEL1L family member 3; minus strand). Cytogenetic location: 4p15.2.
Variant type: single nucleotide variant.
Coding change: c.1424-3T>A on transcript NM_015187.5 (MANE Select); 3 bases into the intron before coding-DNA position 1424, T replaced by A.
Molecular consequence: intron variant.
Genome position (GRCh38, 1-based): chr4:25,818,281, A>T on the plus strand (T>A on the coding strand, the complement: SEL1L3 is on the minus strand). VCF-style: chr4-25818281-A-T. GRCh37 (hg19) VCF-style: chr4-25819903-A-T.
Other names: NC_000004.11:g.25819903A>T; c.1319-3T>A (NM_001297592.2); c.965-3T>A (NM_001297594.2).
Identifiers: ClinVar variation 716753 (VCV000716753.28), dbSNP rs146336648, ClinGen allele CA2880659.